The following is an entry in ClinVar:

NM_005862.3(STAG1):c.3753+8T>G

Gene: STAG1 (STAG1 cohesin complex component; minus strand). Cytogenetic location: 3q22.3.
Variant type: single nucleotide variant.
Coding change: c.3753+8T>G on transcript NM_005862.3 (MANE Select); 8 bases into the intron after coding-DNA position 3753, T replaced by G.
Molecular consequence: intron variant.
Genome position (GRCh38, 1-based): chr3:136,338,362, A>C on the plus strand (T>G on the coding strand, the complement: STAG1 is on the minus strand). VCF-style: chr3-136338362-A-C. GRCh37 (hg19) VCF-style: chr3-136057204-A-C.
Identifiers: ClinVar variation 2751100 (VCV002751100.3), dbSNP rs376501222, ClinGen allele CA2632309.

ClinVar aggregate classification (germline): Uncertain significance (1 of 4 stars; one submission).

Allele frequency attached by ClinVar (database versions not stated): gnomAD exomes 0.00009; gnomAD 0.00010; ExAC 0.00003; TOPMed 0.00009; ESP Exome Variant Server 0.00015.
gnomAD v4.1: 146 of 1,609,646 alleles (0.0091%); highest among the groups gnomAD compares: Non-Finnish European, 0.012%; no homozygotes.

Submission:

Labcorp Genetics (formerly Invitae), Labcorp
Classification: Uncertain significance. Last evaluated: 2025-08-06. Review status: criteria provided, single submitter. Criteria: Invitae Variant Classification Sherloc (09022015). Collection method: clinical testing. Allele origin: germline.
Comment: This sequence change falls in intron 33 of the STAG1 gene. It does not directly change the encoded amino acid sequence of the STAG1 protein. This variant is present in population databases (rs376501222, gnomAD 0.01%). This variant has not been reported in the literature in individuals affected with STAG1-related conditions. ClinVar contains an entry for this variant (Variation ID: 2751100). Algorithms developed to predict the effect of sequence changes on RNA splicing suggest that this variant may disrupt the consensus splice site. In summary, the available evidence is currently insufficient to determine the role of this variant in disease. Therefore, it has been classified as a Variant of Uncertain Significance.